The following is an entry in ClinVar:

NM_000157.4(GBA1):c.793del (p.Gln265fs)

Genes: GBA1 (glucosylceramidase beta 1; minus strand), LOC106627981 (GBA recombination region; plus strand). Cytogenetic location: 1q22.
Variant type: Deletion.
Coding change: c.793del on transcript NM_000157.4 (MANE Select); coding-DNA position 793, one base deleted (C; older notation c.793delC).
Protein change: p.Gln265fs; shifts the reading frame from glutamine 265.
Molecular consequence: frameshift variant.
Genome position (GRCh38, 1-based): chr1:155,237,547, G deleted on the plus strand (C on the coding strand, the reverse complement: GBA1 is on the minus strand). VCF-style (leftmost placement, unchanged base first): chr1-155237546-TG-T. GRCh37 (hg19) VCF-style: chr1-155207337-TG-T.
Other names: NP_000148.2:p.(Q265Sfs); c.793del, p.Gln265fs (NM_001005741.3, NM_001005742.3); c.532del, p.Gln178fs (NM_001171811.2); c.646del, p.Gln216fs (NM_001171812.2); short protein forms Q178fs, Q216fs, Q265fs.
Identifiers: ClinVar variation 4075435 (VCV004075435.1).

ClinVar aggregate classification (germline): Likely pathogenic (0 of 4 stars; one submission).

Conditions:
Gaucher disease type I (GD1). Also called: GD 1; Gaucher's disease, type 1; Type 1 Gaucher Disease; ACID BETA-GLUCOSIDASE DEFICIENCY; GAUCHER DISEASE, NONCEREBRAL JUVENILE; GBA DEFICIENCY. Identifiers: Orphanet 355, Orphanet 77259, MedGen C1961835, MONDO:0009265, OMIM 230800.

Submission:

Laboratório Nacional de Células Tronco Embrionárias, Instituto de Biociencias - Universidade de Sao Paulo
Classification: Likely pathogenic for Gaucher disease type I. Last evaluated: 2025-06-24. Review status: no assertion criteria provided. Collection method: research. Allele origin: inherited. Inheritance: Autosomal recessive inheritance. Affected: yes. Observed: 1 variant allele.
Comment: This is the only variant detected at the GBA locus in this allele in compound heterozigosity (in trans) with a previously described variant of Gaucher disease - genotype N409S/Q265Sfs. Mutation detected and described in Rozenberg et al., 2006 (doi:10.1016/j.bcmd.2006.09.004). Based on these data and established disease mechanisms for GBA1, we classified it as likely pathogenic.

Literature cited by the submitters: DOI 10.1016/j.bcmd.2006.09.004.